The following is an entry in ClinVar:

ClinVar aggregate classification (germline): Benign. Review status: criteria provided, multiple submitters, no conflicts (2 of 4 stars). 3 submissions from 3 submitters: Benign (3). Last evaluated 2026-01-05.

Allele frequency attached by ClinVar (database versions not stated): gnomAD exomes 0.00095 and 0.00276; gnomAD 0.00097 and 0.00131; ESP Exome Variant Server 0.00015; TOPMed 0.00147; ExAC 0.00269; 1000 Genomes Project 30x 0.00453; 1000 Genomes Project 0.00539.
gnomAD v4.1: 1,589 of 1,614,086 alleles (0.098%); highest among the groups gnomAD compares: East Asian, 3.3%; 27 homozygotes.

Submissions (3):

Labcorp Genetics (formerly Invitae), Labcorp
Classification: Benign. Last evaluated: 2026-01-05. Review status: criteria provided, single submitter. Criteria: Invitae Variant Classification Sherloc (09022015). Collection method: clinical testing. Allele origin: germline.

CeGaT Center for Human Genetics Tuebingen
Classification: Benign. Last evaluated: 2025-01-01. Review status: criteria provided, single submitter. Criteria: CeGaT Center For Human Genetics Tuebingen Variant Classification Criteria Version 2. Collection method: clinical testing. Allele origin: germline. Affected: yes. Observed: 1 variant allele.
Comment: FGFR3: BP4, BP7, BS1, BS2

GeneDx
Classification: Benign. Last evaluated: 2019-12-27. Review status: criteria provided, single submitter. Criteria: GeneDx Variant Classification Process June 2021. Collection method: clinical testing. Allele origin: germline. Affected: yes.

NM_000142.5(FGFR3):c.990C>T (p.Thr330=)

Gene: FGFR3 (fibroblast growth factor receptor 3; plus strand). Cytogenetic location: 4p16.3.
Variant type: single nucleotide variant.
Coding change: c.990C>T on transcript NM_000142.5 (MANE Select); coding-DNA position 990, C replaced by T.
Protein change: p.Thr330=; no amino-acid change (threonine 330 retained).
Molecular consequence: synonymous variant. On other transcripts: non-coding transcript variant (1), intron variant (2).
Genome position (GRCh38, 1-based): chr4:1,803,751, C>T. VCF-style: chr4-1803751-C-T. GRCh37 (hg19) VCF-style: chr4-1805478-C-T.
Other names: c.990C>T, p.Thr330= (NM_001354809.2, NM_001354810.2); c.1082-579C>T (NM_001163213.2); c.931-1073C>T (NM_022965.4).
Identifiers: ClinVar variation 465358 (VCV000465358.28), dbSNP rs2305185, ClinGen allele CA2810156.